The following is an entry in ClinVar:

NM_020937.4(FANCM):c.5776A>C (p.Ile1926Leu)

Gene: FANCM (FA complementation group M; plus strand). Cytogenetic location: 14q21.2.
Variant type: single nucleotide variant.
Coding change: c.5776A>C on transcript NM_020937.4 (MANE Select); coding-DNA position 5776, A replaced by C.
Protein change: p.Ile1926Leu; replaces isoleucine 1926 with leucine.
Molecular consequence: missense variant.
Genome position (GRCh38, 1-based): chr14:45,198,703, A>C. VCF-style: chr14-45198703-A-C. GRCh37 (hg19) VCF-style: chr14-45667906-A-C.
Other names: c.5698A>C, p.Ile1900Leu (NM_001308133.2); short protein forms I1900L, I1926L.
Identifiers: ClinVar variation 4022617 (VCV004022617.1).

ClinVar aggregate classification (germline): Uncertain significance (1 of 4 stars; one submission).

Conditions:
Inborn genetic diseases. Identifiers: MedGen C0950123, MeSH D030342.

Submission:

Ambry Genetics
Classification: Uncertain significance for Inborn genetic diseases. Last evaluated: 2025-03-26. Review status: criteria provided, single submitter. Criteria: Ambry Variant Classification Scheme 2023. Collection method: clinical testing. Allele origin: germline.
Comment: The p.I1926L variant (also known as c.5776A>C), located in coding exon 22 of the FANCM gene, results from an A to C substitution at nucleotide position 5776. The isoleucine at codon 1926 is replaced by leucine, an amino acid with highly similar properties. This amino acid position is conserved. In addition, this alteration is predicted to be tolerated by in silico analysis. Based on the available evidence, the clinical significance of this variant remains unclear.